The following is an entry in ClinVar:

ClinVar aggregate classification (germline): Conflicting classifications of pathogenicity. Review status: criteria provided, conflicting classifications (1 of 4 stars). 3 submissions from 3 submitters: Uncertain significance (2); Likely benign (1). Last evaluated 2022-07-26.

Conditions:
Generalized pustular psoriasis. Identifiers: Orphanet 247353, MedGen C0343055, MONDO:0100491.
Autoinflammatory syndrome. Identifiers: Orphanet 93665, MedGen C3890737, MONDO:0019751.

Allele frequency attached by ClinVar (database versions not stated): TOPMed 0.00005; gnomAD 0.00007; ESP Exome Variant Server 0.00015.
gnomAD v4.1: 125 of 1,614,002 alleles (0.0077%); highest among the groups gnomAD compares: Middle Eastern, 0.016%; no homozygotes.

Submissions (3):

Labcorp Genetics (formerly Invitae), Labcorp
Classification: Uncertain significance for Generalized pustular psoriasis. Last evaluated: 2022-07-26. Review status: criteria provided, single submitter. Criteria: Invitae Variant Classification Sherloc (09022015). Collection method: clinical testing. Allele origin: germline.
Comment: This sequence change replaces arginine, which is basic and polar, with tryptophan, which is neutral and slightly polar, at codon 103 of the IL36RN protein (p.Arg103Trp). This variant is present in population databases (rs375207169, gnomAD 0.02%). This variant has not been reported in the literature in individuals affected with IL36RN-related conditions. ClinVar contains an entry for this variant (Variation ID: 845061). Algorithms developed to predict the effect of missense changes on protein structure and function output the following: SIFT: "Deleterious"; PolyPhen-2: "Benign"; Align-GVGD: "Class C65". The tryptophan amino acid residue is found in multiple mammalian species, which suggests that this missense change does not adversely affect protein function. Algorithms developed to predict the effect of sequence changes on RNA splicing suggest that this variant may create or strengthen a splice site. In summary, the available evidence is currently insufficient to determine the role of this variant in disease. Therefore, it has been classified as a Variant of Uncertain Significance.

Blueprint Genetics
Classification: Likely benign. Last evaluated: 2022-07-15. Review status: criteria provided, single submitter. Criteria: ACMG Guidelines, 2015. Collection method: clinical testing. Allele origin: germline.

Genome Diagnostics Laboratory, The Hospital for Sick Children
Classification: Uncertain significance for Autoinflammatory syndrome. Last evaluated: 2019-12-01. Review status: criteria provided, single submitter. Criteria: ACMG Guidelines, 2015. Collection method: clinical testing. Allele origin: germline. Affected: yes.

NM_012275.3(IL36RN):c.307C>T (p.Arg103Trp)

Gene: IL36RN (interleukin 36 receptor antagonist; plus strand). Cytogenetic location: 2q14.1.
Variant type: single nucleotide variant.
Coding change: c.307C>T on transcript NM_012275.3 (MANE Select); coding-DNA position 307, C replaced by T.
Protein change: p.Arg103Trp; replaces arginine 103 with tryptophan.
Molecular consequence: missense variant.
Genome position (GRCh38, 1-based): chr2:113,062,516, C>T. VCF-style: chr2-113062516-C-T. GRCh37 (hg19) VCF-style: chr2-113820093-C-T.
Other names: c.307C>T, p.Arg103Trp (NM_173170.1); short protein forms R103W.
Identifiers: ClinVar variation 845061 (VCV000845061.11), dbSNP rs375207169, ClinGen allele CA1838434.